The following is an entry in ClinVar:

ClinVar aggregate classification (germline): Benign/Likely benign. Review status: criteria provided, multiple submitters, no conflicts (2 of 4 stars). 3 submissions from 3 submitters: Benign (1); Likely benign (2). Last evaluated 2026-07-01.

Allele frequency attached by ClinVar (database versions not stated): gnomAD 0.00895 and 0.00970; gnomAD exomes 0.00077; TOPMed 0.00987; 1000 Genomes Project 30x 0.01062; 1000 Genomes Project 0.00978.
gnomAD v4.1: 2,271 of 1,298,072 alleles (0.17%); highest among the groups gnomAD compares: African/African-American, 3.2%; 36 homozygotes.

Submissions (3):

CeGaT Center for Human Genetics Tuebingen
Classification: Benign. Last evaluated: 2026-07-01. Review status: criteria provided, single submitter. Criteria: CeGaT Center For Human Genetics Tuebingen Variant Classification Criteria Version 2. Collection method: clinical testing. Allele origin: germline. Affected: yes. Observed: 8 variant alleles.
Comment: MITF: PP3, BS1, BS2

GeneDx
Classification: Likely benign. Last evaluated: 2018-06-12. Review status: criteria provided, single submitter. Criteria: GeneDx Variant Classification (06012015). Collection method: clinical testing. Allele origin: germline. Affected: yes.
Comment: This variant is considered likely benign or benign based on one or more of the following criteria: it is a conservative change, it occurs at a poorly conserved position in the protein, it is predicted to be benign by multiple in silico algorithms, and/or has population frequency not consistent with disease.

Breakthrough Genomics
Classification: Likely benign. Review status: criteria provided, single submitter. Criteria: ACMG Guidelines, 2015. Collection method: not provided. Allele origin: germline. Inheritance: Autosomal recessive inheritance. Affected: yes.

NM_001354604.2(MITF):c.104+23992G>T

Gene: MITF (melanocyte inducing transcription factor; plus strand). Cytogenetic location: 3p13.
Variant type: single nucleotide variant.
Coding change: c.104+23992G>T on transcript NM_001354604.2 (MANE Select); 23992 bases into the intron after coding-DNA position 104, G replaced by T.
Molecular consequence: intron variant. On other transcripts: splice donor variant (1).
Genome position (GRCh38, 1-based): chr3:69,763,693, G>T. VCF-style: chr3-69763693-G-T. GRCh37 (hg19) VCF-style: chr3-69812844-G-T.
Other names: c.-77+23992G>T (NM_001354607.2); c.-92+23992G>T (NM_001354608.2); c.104+23992G>T (NM_198159.3, NM_001354605.2, NM_001354606.2); c.-53+1G>T (NM_001184967.2).
Identifiers: ClinVar variation 669675 (VCV000669675.20), dbSNP rs72950037, ClinGen allele CA76981140.